The following is an entry in ClinVar:

ClinVar aggregate classification (germline): Uncertain significance (1 of 4 stars; one submission).

Allele frequency attached by ClinVar (database versions not stated): ExAC 0.00006; gnomAD exomes 0.00009 and 0.00029; TOPMed 0.00011; gnomAD 0.00013.

Submission:

Labcorp Genetics (formerly Invitae), Labcorp
Classification: Uncertain significance. Last evaluated: 2025-12-27. Review status: criteria provided, single submitter. Criteria: Invitae Variant Classification Sherloc (09022015). Collection method: clinical testing. Allele origin: germline.
Comment: This sequence change replaces alanine, which is neutral and non-polar, with valine, which is neutral and non-polar, at codon 82 of the SEPT9 protein (p.Ala82Val). This variant is present in population databases (rs753318328, gnomAD 0.02%). This variant has not been reported in the literature in individuals affected with SEPT9-related conditions. ClinVar contains an entry for this variant (Variation ID: 1682590). Invitae Evidence Modeling of protein sequence and biophysical properties (such as structural, functional, and spatial information, amino acid conservation, physicochemical variation, residue mobility, and thermodynamic stability) indicates that this missense variant is not expected to disrupt SEPT9 protein function with a negative predictive value of 80%. In summary, the available evidence is currently insufficient to determine the role of this variant in disease. Therefore, it has been classified as a Variant of Uncertain Significance.

NM_001113491.2(SEPTIN9):c.299C>T (p.Ala100Val)

Gene: SEPTIN9 (septin 9; plus strand). Cytogenetic location: 17q25.3.
Variant type: single nucleotide variant.
Coding change: c.299C>T on transcript NM_001113491.2 (MANE Select); coding-DNA position 299, C replaced by T.
Protein change: p.Ala100Val; replaces alanine 100 with valine.
Molecular consequence: missense variant. On other transcripts: 5 prime UTR variant (2).
Genome position (GRCh38, 1-based): chr17:77,402,281, C>T. VCF-style: chr17-77402281-C-T. GRCh37 (hg19) VCF-style: chr17-75398363-C-T.
Other names: c.-194C>T (NM_001113492.2, NM_001113494.1); c.278C>T, p.Ala93Val (NM_001113493.2); c.242C>T, p.Ala81Val (NM_001293695.2); c.245C>T, p.Ala82Val (NM_006640.5); short protein forms A100V, A81V, A82V, A93V.
Identifiers: ClinVar variation 1682590 (VCV001682590.5), dbSNP rs753318328, ClinGen allele CA8793165.